The following is an entry in ClinVar:

NM_004360.5(CDH1):c.2614C>T (p.Leu872=)

Gene: CDH1 (cadherin 1; plus strand). Cytogenetic location: 16q22.1.
Variant type: single nucleotide variant.
Coding change: c.2614C>T on transcript NM_004360.5 (MANE Select); coding-DNA position 2614, C replaced by T.
Protein change: p.Leu872=; no amino-acid change (leucine 872 retained).
Molecular consequence: synonymous variant.
Genome position (GRCh38, 1-based): chr16:68,833,464, C>T. VCF-style: chr16-68833464-C-T. GRCh37 (hg19) VCF-style: chr16-68867367-C-T.
Other names: c.2431C>T, p.Leu811= (NM_001317184.2); c.1066C>T, p.Leu356= (NM_001317185.2); c.649C>T, p.Leu217= (NM_001317186.2).
Identifiers: ClinVar variation 1100458 (VCV001100458.12), dbSNP rs749203461, ClinGen allele CA8130314.
Genomic context (GRCh38, chr16:68,833,464, plus strand): 5'-GAGTCAGACAAAGACCAGGACTATGACTACTTGAACGAATGGGGCAATCGCTTCAAGAAG[C>T]TGGCTGACATGTACGGAGGCGGCGAGGACGACTAGGGGACTCGAGAGAGGCGGGCCCCAG-3'
Protein context (NP_004351.1, residues 862-882): LNEWGNRFKK[Leu872=]ADMYGGGEDD

ClinVar aggregate classification (germline): Benign/Likely benign. Review status: criteria provided, multiple submitters, no conflicts (2 of 4 stars). 3 submissions from 3 submitters: Benign (1); Likely benign (2). Last evaluated 2024-09-24.

Conditions:
Hereditary diffuse gastric adenocarcinoma (HDGC). Also called: DIFFUSE GASTRIC AND LOBULAR BREAST CANCER SYNDROME. Identifiers: Orphanet 26106, MedGen C1708349, MONDO:0007648, OMIM 137215.
Hereditary cancer-predisposing syndrome. Also called: Neoplastic Syndromes, Hereditary; Hereditary neoplastic syndrome; Hereditary Cancer Syndrome; Tumor predisposition. Identifiers: Orphanet 140162, MedGen C0027672, MeSH D009386, MONDO:0015356.

gnomAD v4.1: 1 of 1,614,106 alleles (0.000062%); highest among the groups gnomAD compares: East Asian, 0.0022%; no homozygotes.

Submissions (3):

Myriad Genetics, Inc.
Classification: Benign for Hereditary diffuse gastric adenocarcinoma. Last evaluated: 2024-09-24. Review status: criteria provided, single submitter. Criteria: Myriad Autosomal Dominant, Autosomal Recessive and X-Linked Classification Criteria (2023). Collection method: clinical testing. Allele origin: unknown.
Comment: This variant is considered benign. This variant is a silent/synonymous amino acid change and it is not expected to impact splicing.

Labcorp Genetics (formerly Invitae), Labcorp
Classification: Likely benign for Hereditary diffuse gastric adenocarcinoma. Last evaluated: 2019-07-15. Review status: criteria provided, single submitter. Criteria: Invitae Variant Classification Sherloc (09022015). Collection method: clinical testing. Allele origin: germline.

Ambry Genetics
Classification: Likely benign for Hereditary cancer-predisposing syndrome. Last evaluated: 2017-08-17. Review status: criteria provided, single submitter. Criteria: Ambry Variant Classification Scheme 2023. Collection method: clinical testing. Allele origin: germline.